The following is an entry in ClinVar:

NM_000388.4(CASR):c.955G>A (p.Gly319Arg)

Gene: CASR (calcium sensing receptor; plus strand). Cytogenetic location: 3q21.1.
Variant type: single nucleotide variant.
Coding change: c.955G>A on transcript NM_000388.4 (MANE Select); coding-DNA position 955, G replaced by A.
Protein change: p.Gly319Arg; replaces glycine 319 with arginine.
Molecular consequence: missense variant.
Genome position (GRCh38, 1-based): chr3:122,261,990, G>A. VCF-style: chr3-122261990-G-A. GRCh37 (hg19) VCF-style: chr3-121980837-G-A.
Other names: c.955G>A, p.Gly319Arg (NM_001178065.2); short protein forms G319R.
Identifiers: ClinVar variation 1969288 (VCV001969288.5), dbSNP rs2473227373, ClinGen allele CA354151761.
Genomic context (GRCh38, chr3:122,261,990, plus strand): 5'-TGGGCCAGCTCCTCCCTGATCGCCATGCCTCAGTACTTCCACGTGGTTGGCGGCACCATT[G>A]GATTCGCTCTGAAGGCTGGGCAGATCCCAGGCTTCCGGGAATTCCTGAAGAAGGTCCATC-3'
Protein context (NP_000379.3, residues 309-329): QYFHVVGGTI[Gly319Arg]FALKAGQIPG

ClinVar aggregate classification (germline): Uncertain significance (1 of 4 stars; one submission).

Conditions:
Familial hypocalciuric hypercalcemia (FHH). Also called: Familial benign hypercalcemia. Identifiers: Orphanet 405, MedGen C1809471, MONDO:0018458.
Autosomal dominant hypocalcemia 1 (HYPOC1). Also called: HYPOCALCEMIA, FAMILIAL. Identifiers: MedGen C3715128, MONDO:0011013, OMIM 601198.

Submission:

Labcorp Genetics (formerly Invitae), Labcorp
Classification: Uncertain significance for Familial hypocalciuric hypercalcemia; Autosomal dominant hypocalcemia 1. Last evaluated: 2022-10-13. Review status: criteria provided, single submitter. Criteria: Invitae Variant Classification Sherloc (09022015). Collection method: clinical testing. Allele origin: germline.
Comment: This sequence change replaces glycine, which is neutral and non-polar, with arginine, which is basic and polar, at codon 319 of the CASR protein (p.Gly319Arg). This variant is not present in population databases (gnomAD no frequency). This variant has not been reported in the literature in individuals affected with CASR-related conditions. Algorithms developed to predict the effect of missense changes on protein structure and function (SIFT, PolyPhen-2, Align-GVGD) all suggest that this variant is likely to be disruptive. In summary, the available evidence is currently insufficient to determine the role of this variant in disease. Therefore, it has been classified as a Variant of Uncertain Significance.